The following is an entry in ClinVar:

ClinVar aggregate classification (germline): Uncertain significance (1 of 4 stars; one submission).

Conditions:
Hypokalemic periodic paralysis, type 1. Also called: Hypokalemic Periodic Paralysis Type 1 (AD); HypoPP. Identifiers: Orphanet 681, MedGen C3714580, MONDO:0042979, OMIM 170400.
Malignant hyperthermia, susceptibility to, 5 (MHS5). Also called: CACNA1S-Related Malignant Hyperthermia Susceptibility. Identifiers: Orphanet 423, MedGen C1866077, MONDO:0011163, OMIM 601887.

gnomAD v4.1: 1 of 1,605,552 alleles (0.000062%); highest among the groups gnomAD compares: Non-Finnish European, 0.000085%; no homozygotes.

Submission:

Labcorp Genetics (formerly Invitae), Labcorp
Classification: Uncertain significance for Hypokalemic periodic paralysis, type 1; Malignant hyperthermia, susceptibility to, 5. Last evaluated: 2024-08-31. Review status: criteria provided, single submitter. Criteria: Invitae Variant Classification Sherloc (09022015). Collection method: clinical testing. Allele origin: germline.
Comment: This sequence change falls in intron 20 of the CACNA1S gene. It does not directly change the encoded amino acid sequence of the CACNA1S protein. This variant is not present in population databases (gnomAD no frequency). This variant has not been reported in the literature in individuals affected with CACNA1S-related conditions. Algorithms developed to predict the effect of sequence changes on RNA splicing suggest that this variant may create or strengthen a splice site. In summary, the available evidence is currently insufficient to determine the role of this variant in disease. Therefore, it has been classified as a Variant of Uncertain Significance.

NM_000069.3(CACNA1S):c.2657+9C>A

Gene: CACNA1S (calcium voltage-gated channel subunit alpha1 S; minus strand). Cytogenetic location: 1q32.1.
Variant type: single nucleotide variant.
Coding change: c.2657+9C>A on transcript NM_000069.3 (MANE Select); 9 bases into the intron after coding-DNA position 2657, C replaced by A.
Molecular consequence: intron variant.
Genome position (GRCh38, 1-based): chr1:201,066,878, G>T on the plus strand (C>A on the coding strand, the complement: CACNA1S is on the minus strand). VCF-style: chr1-201066878-G-T. GRCh37 (hg19) VCF-style: chr1-201036006-G-T.
Identifiers: ClinVar variation 3763407 (VCV003763407.2).
Genomic context (GRCh38, chr1:201,066,878, plus strand): 5'-CCCACTACAAAGCCCTGGCACAGAGCAGAGGGTGGTCTGTGCCCAGGGCTGGCCCTTGCC[G>T]CTGCTCACTCAAGTCCCATGGAGATGAGGGACACGGCCACCACCAGCAGGTCCAGCATGT-3'